The following is an entry in ClinVar:

ClinVar aggregate classification (germline): Uncertain significance (1 of 4 stars; one submission).

Allele frequency attached by ClinVar (database versions not stated): TOPMed 0.00002.

Submission:

Labcorp Genetics (formerly Invitae), Labcorp
Classification: Uncertain significance. Last evaluated: 2022-08-22. Review status: criteria provided, single submitter. Criteria: Invitae Variant Classification Sherloc (09022015). Collection method: clinical testing. Allele origin: germline.
Comment: In summary, the available evidence is currently insufficient to determine the role of this variant in disease. Therefore, it has been classified as a Variant of Uncertain Significance. Algorithms developed to predict the effect of missense changes on protein structure and function are either unavailable or do not agree on the potential impact of this missense change (SIFT: "Not Available"; PolyPhen-2: "Benign"; Align-GVGD: "Not Available"). This variant has not been reported in the literature in individuals affected with ATAD1-related conditions. This variant is not present in population databases (gnomAD no frequency). This sequence change replaces glutamine, which is neutral and polar, with arginine, which is basic and polar, at codon 124 of the ATAD1 protein (p.Gln124Arg).

NM_001321967.2(ATAD1):c.371A>G (p.Gln124Arg)

Gene: ATAD1 (ATPase family AAA domain containing 1; minus strand). Cytogenetic location: 10q23.31.
Variant type: single nucleotide variant.
Coding change: c.371A>G on transcript NM_001321967.2 (MANE Select); coding-DNA position 371, A replaced by G.
Protein change: p.Gln124Arg; replaces glutamine 124 with arginine.
Molecular consequence: missense variant. On other transcripts: 5 prime UTR variant (1), non-coding transcript variant (1).
Genome position (GRCh38, 1-based): chr10:87,790,321, T>C on the plus strand (A>G on the coding strand, the complement: ATAD1 is on the minus strand). VCF-style: chr10-87790321-T-C. GRCh37 (hg19) VCF-style: chr10-89550078-T-C.
Other names: c.371A>G, p.Gln124Arg (NM_001321968.2, NM_032810.4); c.-77A>G (NM_001321969.2); short protein forms Q124R.
Identifiers: ClinVar variation 1915375 (VCV001915375.5), dbSNP rs1856035798, ClinGen allele CA377491833.